The following is an entry in ClinVar:

NM_201596.3(CACNB2):c.1085T>C (p.Phe362Ser)

Gene: CACNB2 (calcium voltage-gated channel auxiliary subunit beta 2; plus strand). Cytogenetic location: 10p12.31.
Variant type: single nucleotide variant.
Coding change: c.1085T>C on transcript NM_201596.3 (MANE Select); coding-DNA position 1085, T replaced by C.
Protein change: p.Phe362Ser; replaces phenylalanine 362 with serine.
Molecular consequence: missense variant.
Genome position (GRCh38, 1-based): chr10:18,534,106, T>C. VCF-style: chr10-18534106-T-C. GRCh37 (hg19) VCF-style: chr10-18823035-T-C.
Other names: c.920T>C, p.Phe307Ser (NM_000724.4); c.887T>C, p.Phe296Ser (NM_001167945.2); c.806T>C, p.Phe269Ser (NM_001330060.2); c.827T>C, p.Phe276Ser (NM_001410882.1); c.941T>C, p.Phe314Ser (NM_201570.3); c.1001T>C, p.Phe334Ser (NM_201571.4); c.929T>C, p.Phe310Ser (NM_201572.4); c.923T>C, p.Phe308Ser (NM_201590.3); and 2 more; short protein forms F310S, F334S, F362S, F269S, F276S, F308S, F314S, F324S.
Identifiers: ClinVar variation 2447818 (VCV002447818.2), dbSNP rs2494776831, ClinGen allele CA376067647.

ClinVar aggregate classification (germline): Uncertain significance (1 of 4 stars; one submission).

Conditions:
Cardiovascular phenotype. Identifiers: MedGen CN230736.

Allele frequency attached by ClinVar (database versions not stated): gnomAD exomes below 0.00001.
gnomAD v4.1: 2 of 1,614,116 alleles (0.00012%); highest among the groups gnomAD compares: Non-Finnish European, 0.00017%; no homozygotes.

Submission:

Ambry Genetics
Classification: Uncertain significance for Cardiovascular phenotype. Last evaluated: 2022-12-06. Review status: criteria provided, single submitter. Criteria: Ambry Variant Classification Scheme 2023. Collection method: clinical testing. Allele origin: germline.
Comment: The p.F308S variant (also known as c.923T>C), located in coding exon 10 of the CACNB2 gene, results from a T to C substitution at nucleotide position 923. The phenylalanine at codon 308 is replaced by serine, an amino acid with highly dissimilar properties. This amino acid position is conserved. In addition, this alteration is predicted to be deleterious by in silico analysis. Since supporting evidence is limited at this time, the clinical significance of this alteration remains unclear.